The following is an entry in ClinVar:

ClinVar aggregate classification (germline): Benign/Likely benign. Review status: criteria provided, multiple submitters, no conflicts (2 of 4 stars). 18 submissions from 17 submitters: Benign (13); Likely benign (2). 3 of the submissions do not count toward it. Last evaluated 2026-02-03.

Conditions:
Ovarian cancer. Also called: OVARIAN CANCER, SOMATIC. Identifiers: Orphanet 213500, MedGen C1140680, MONDO:0008170, OMIM 167000.
Maturity-onset diabetes of the young (MODY). Also called: Maturity onset diabetes mellitus in young. Identifiers: Orphanet 552, MedGen C0342276, MONDO:0018911, HP:0004904.
Maturity-onset diabetes of the young type 3. Also called: MODY type 3; MODY, type III. Identifiers: Orphanet 552, MedGen C1838100, MeSH C563933, MONDO:0010894, OMIM 600496. Disease mechanism: loss of function.
Nonpapillary renal cell carcinoma. Identifiers: Orphanet 422526, MedGen CN074294, MONDO:0007763, OMIM 144700.
Monogenic diabetes. Identifiers: Orphanet 183625, MedGen C3888631, MONDO:0015967.

Allele frequency attached by ClinVar (database versions not stated): TOPMed 0.01807; ESP Exome Variant Server 0.01858; 1000 Genomes Project 0.01997; 1000 Genomes Project 30x 0.02030; gnomAD 0.02065 and 0.02188; gnomAD exomes 0.02900 and 0.03008; ExAC 0.03672.
gnomAD v4.1: 47,080 of 1,611,476 alleles (2.9%); highest among the groups gnomAD compares: South Asian, 6.7%; 921 homozygotes.

Submissions (18):

Labcorp Genetics (formerly Invitae), Labcorp
Classification: Benign. Last evaluated: 2026-02-03. Review status: criteria provided, single submitter. Criteria: Invitae Variant Classification Sherloc (09022015). Collection method: clinical testing. Allele origin: germline.

KCCC/NGS Laboratory, Kuwait Cancer Control Center
Classification: Benign for Maturity-onset diabetes of the young type 3. Last evaluated: 2025-02-01. Review status: criteria provided, single submitter. Criteria: ACMG Guidelines, 2015. Collection method: clinical testing. Allele origin: germline. Affected: no.

Blueprint Genetics
Classification: Likely benign. Last evaluated: 2024-11-27. Review status: criteria provided, single submitter. Criteria: ACMG Guidelines, 2015. Collection method: clinical testing. Allele origin: germline.

KCCC/NGS Laboratory, Kuwait Cancer Control Center
Classification: Benign for Nonpapillary renal cell carcinoma. Last evaluated: 2023-07-07. Review status: criteria provided, single submitter. Criteria: ACMG Guidelines, 2015. Collection method: clinical testing. Allele origin: germline. Affected: yes.

Laboratory of Molecular Epidemiology of Birth Defects, West China Second University Hospital, Sichuan University
Classification: Benign for Ovarian cancer. Last evaluated: 2022-01-01. Review status: criteria provided, single submitter. Criteria: ACMG Guidelines, 2015. Collection method: clinical testing. Allele origin: germline. Affected: yes.

Personalized Diabetes Medicine Program, University of Maryland School of Medicine
Classification: Benign for Monogenic diabetes. Last evaluated: 2019-02-01. Review status: criteria provided, single submitter. Criteria: ACMG Guidelines, 2015. Collection method: research. Allele origin: unknown. Observed: 26 variant alleles, 26 heterozygotes.
Comment: ACMG criteria: BA1 (overall MAF in gnomAD 3%, 6.6% in South Asian in gnomAD, ~3% in other subpop), BS2 (346 cases and 404 controls in T2DM ) [Revel score 0.597, PP3 (6), BP4 (4)= conflicting evidence, not using] [not using BP6]: benign

Ambry Genetics
Classification: Likely benign for Maturity-onset diabetes of the young. Last evaluated: 2018-09-18. Review status: criteria provided, single submitter. Criteria: Ambry Variant Classification Scheme 2023. Collection method: clinical testing. Allele origin: germline.

Illumina Laboratory Services, Illumina
Classification: Benign for Maturity-onset diabetes of the young type 3. Last evaluated: 2018-03-06. Review status: criteria provided, single submitter. Criteria: ICSL Variant Classification Criteria 13 December 2019. Collection method: clinical testing. Allele origin: germline.
Comment: This variant was observed in the ICSL laboratory as part of a predisposition screen in an ostensibly healthy population. It had not been previously curated by ICSL or reported in the Human Gene Mutation Database (HGMD: prior to June 1st, 2018), and was therefore a candidate for classification through an automated scoring system. Utilizing variant allele frequency, disease prevalence and penetrance estimates, and inheritance mode, an automated score was calculated to assess if this variant is too frequent to cause the disease. Based on the score and internal cut-off values, a variant classified as benign is not then subjected to further curation. The score for this variant resulted in a classification of benign for this disease.

Athena Diagnostics
Classification: Benign. Last evaluated: 2017-08-31. Review status: criteria provided, single submitter. Criteria: Athena Diagnostics Criteria. Collection method: clinical testing. Allele origin: germline.

Eurofins Ntd Llc (ga)
Classification: Benign. Last evaluated: 2017-04-26. Review status: criteria provided, single submitter. Criteria: EGL Classification Definitions 2015. Collection method: clinical testing. Allele origin: germline. Observed: 1 variant allele, 1 heterozygote.

GeneDx
Classification: Benign. Last evaluated: 2014-05-19. Review status: criteria provided, single submitter. Criteria: GeneDx Variant Classification (06012015). Collection method: clinical testing. Allele origin: germline. Affected: yes.
Comment: This variant is considered likely benign or benign based on one or more of the following criteria: it is a conservative change, it occurs at a poorly conserved position in the protein, it is predicted to be benign by multiple in silico algorithms, and/or has population frequency not consistent with disease.

Genetic Services Laboratory, University of Chicago
Classification: Benign for AllHighlyPenetrant. Last evaluated: 2013-03-04. Review status: criteria provided, single submitter. Criteria: ACMG Guidelines, 2007. Collection method: clinical testing. Allele origin: germline. Inheritance: Autosomal dominant inheritance.

Breakthrough Genomics
Classification: Benign. Review status: criteria provided, single submitter. Criteria: ACMG Guidelines, 2015. Collection method: not provided. Allele origin: germline. Inheritance: Autosomal dominant inheritance. Affected: yes.

Clinical Genomics, Uppaluri K&H Personalized Medicine Clinic
Classification: Benign for Maturity-onset diabetes of the young. Review status: criteria provided, single submitter. Criteria: K&H Uppaluri Personalized Medicine Clinic Variant Classification & Assertion Criteria. Collection method: research. Allele origin: somatic. Inheritance: Autosomal dominant inheritance. Affected: no.
Comment: Mutations in this gene can predispose to MODY3. It is associated with both micro and macrovascular complications of diabetes, especially cardiovascular complications. Associated with glucosuria. Good response to sulfonylureas. However, rs1800574 localized in the DNA-binding domain of the HNF1A gene (p.Ala98Val) doesn't directly predispose to early-onset Diabetes Mellitus even if the prevalence of the variant is high.

PreventionGenetics, part of Exact Sciences
Classification: Benign. Review status: criteria provided, single submitter. Criteria: ACMG Guidelines, 2015. Collection method: clinical testing. Allele origin: germline.

ITMI
No classification provided. Condition: AllHighlyPenetrant. Last evaluated: 2013-09-19. Review status: no classification provided. Collection method: reference population. Allele origin: germline. Not counted in ClinVar's aggregate classification.
Comment: Please see associated publication for description of ethnicities

Genome Diagnostics Laboratory, University Medical Center Utrecht
Classification: Benign. Review status: no assertion criteria provided. Collection method: clinical testing. Allele origin: germline. Affected: yes. Study: VKGL Data-share Consensus. Not counted in ClinVar's aggregate classification.

Laboratory of Diagnostic Genome Analysis, Leiden University Medical Center (LUMC)
Classification: Benign. Review status: no assertion criteria provided. Collection method: clinical testing. Allele origin: germline. Affected: yes. Study: VKGL Data-share Consensus. Not counted in ClinVar's aggregate classification.

Literature cited by the submitters: PubMed 16186275 (cited by Ambry Genetics and Athena Diagnostics); PubMed 25575005 (cited by Ambry Genetics); PubMed 9133564 (cited by Ambry Genetics and Athena Diagnostics); PubMed 10333057 (cited by Athena Diagnostics); PubMed 10634407 (cited by Athena Diagnostics); PubMed 11289470 (cited by Athena Diagnostics); PubMed 12359128 (cited by Athena Diagnostics); PubMed 12574234 (cited by Athena Diagnostics); PubMed 12618559 (cited by Athena Diagnostics); PubMed 12675668 (cited by Athena Diagnostics); PubMed 15277395 (cited by Athena Diagnostics); PubMed 15761192 (cited by Athena Diagnostics); PubMed 15928245 (cited by Athena Diagnostics); PubMed 16046319 (cited by Athena Diagnostics); PubMed 16917892 (cited by Athena Diagnostics); PubMed 16963153 (cited by Athena Diagnostics); PubMed 17033837 (cited by Athena Diagnostics); PubMed 17116178 (cited by Athena Diagnostics); PubMed 17192490 (cited by Athena Diagnostics); PubMed 17425917 (cited by Athena Diagnostics); PubMed 17440016 (cited by Athena Diagnostics); PubMed 17496355 (cited by Athena Diagnostics); PubMed 17573900 (cited by Athena Diagnostics); PubMed 17601994 (cited by Athena Diagnostics); PubMed 17700391 (cited by Athena Diagnostics); PubMed 17924661 (cited by Athena Diagnostics); PubMed 17937063 (cited by Athena Diagnostics); PubMed 18332101 (cited by Athena Diagnostics); PubMed 18513305 (cited by Athena Diagnostics); PubMed 8945470 (cited by Athena Diagnostics); PubMed 9112026 (cited by Athena Diagnostics); PubMed 9287053 (cited by Athena Diagnostics); PubMed 31109344 (cited by Clinical Genomics, Uppaluri K&H Personalized Medicine Clinic); PubMed 29895593 (cited by Clinical Genomics, Uppaluri K&H Personalized Medicine Clinic); PubMed 35328643 (cited by Clinical Genomics, Uppaluri K&H Personalized Medicine Clinic); PubMed 24728327 (cited by ITMI).

NM_000545.8(HNF1A):c.293C>T (p.Ala98Val)

Gene: HNF1A (HNF1 homeobox A; plus strand). Cytogenetic location: 12q24.31.
Variant type: single nucleotide variant.
Coding change: c.293C>T on transcript NM_000545.8 (MANE Select); coding-DNA position 293, C replaced by T.
Protein change: p.Ala98Val; replaces alanine 98 with valine.
Molecular consequence: missense variant.
Genome position (GRCh38, 1-based): chr12:120,979,061, C>T. VCF-style: chr12-120979061-C-T. GRCh37 (hg19) VCF-style: chr12-121416864-C-T.
Other names: p.A98V:GCC>GTC; c.293C>T, p.Ala98Val (NM_001306179.2); short protein forms A98V.
Identifiers: ClinVar variation 129233 (VCV000129233.34), dbSNP rs1800574, ClinGen allele CA153094.
Genomic context (GRCh38, chr12:120,979,061, plus strand): 5'-GGGAAGACTTCACGCCACCCATCCTCAAAGAGCTGGAGAACCTCAGCCCTGAGGAGGCGG[C>T]CCACCAGAAAGCCGTGGTGGAGACCCTTCTGCAGTAAGGAGCCCTGCCCCGTCCCCGCTC-3'
Protein context (NP_000536.6, residues 88-108): ELENLSPEEA[Ala98Val]HQKAVVETLL